The following is an entry in ClinVar:

NM_001323289.2(CDKL5):c.1390C>T (p.Gln464Ter)

Gene: CDKL5 (cyclin dependent kinase like 5; plus strand). Cytogenetic location: Xp22.13.
Variant type: single nucleotide variant.
Coding change: c.1390C>T on transcript NM_001323289.2 (MANE Select); coding-DNA position 1390, C replaced by T.
Protein change: p.Gln464Ter; replaces glutamine 464 with a stop codon.
Molecular consequence: nonsense.
Genome position (GRCh38, 1-based): chrX:18,604,314, C>T. VCF-style: chrX-18604314-C-T. GRCh37 (hg19) VCF-style: chrX-18622434-C-T.
Other names: NM_003159.3:c.1390C>T; c.1390C>T, p.Gln464Ter (NM_001037343.2, NM_003159.3); short protein forms Q464*.
Identifiers: ClinVar variation 3343985 (VCV003343985.1).

ClinVar aggregate classification (germline): Pathogenic (1 of 4 stars; one submission).

Conditions:
CDKL5 disorder. Identifiers: MedGen CN296942, MONDO:0100039.

Submission:

Centre for Population Genomics, CPG
Classification: Pathogenic for CDKL5 disorder. Last evaluated: 2024-08-23. Review status: criteria provided, single submitter. Criteria: McKnight et al. (Hum Mutat. 2022). Collection method: curation. Allele origin: germline. Inheritance: X-linked inheritance.
Comment: This variant has been collected from RettBASE and curated to current modified ACMG/AMP criteria. Based on the classification scheme defined by the ClinGen Rett/Angelman-like Expert Panel for Rett/AS-like Disorders Specifications to the ACMG/AMP Variant Interpretation Guidelines VCEP 3.0, this variant is classified as pathogenic. At least the following criteria are met: This variant has been identified as a de novo occurrence in an individual with CDKL5 disorder without confirmation of paternity and maternity (PM6).PMID: 33436160. Predicted to result in loss of function, and LOF is a known mechanism of disease (PVS1). This variant is absent from gnomAD v4 (PM2_Supporting).